The following is an entry in ClinVar:

NM_001365276.2(TNXB):c.3679_3680del (p.Leu1227fs)

Gene: TNXB (tenascin XB; minus strand). Cytogenetic location: 6p21.33.
Variant type: Microsatellite.
Coding change: c.3679_3680del on transcript NM_001365276.2 (MANE Select); coding-DNA positions 3679 to 3680, 2 bases deleted (CT; older notation c.3679_3680delCT).
Protein change: p.Leu1227fs; shifts the reading frame from leucine 1227.
Molecular consequence: frameshift variant.
Genome position (GRCh38, 1-based): chr6:32,082,092-32,082,093, AG deleted on the plus strand (CT on the coding strand, the reverse complement: TNXB is on the minus strand); deleting any 2 consecutive bases within chr6:32,082,092-32,082,095 gives the same sequence; the c. name uses the placement nearest the transcript's 3' end. VCF-style (leftmost placement, unchanged base first): chr6-32082091-CAG-C. GRCh37 (hg19) VCF-style: chr6-32049868-CAG-C.
Other names: c.4420_4421del, p.Leu1474fs (NM_001428335.1); c.3679_3680del, p.Leu1227fs (NM_019105.8); short protein forms L1227fs, L1474fs.
Identifiers: ClinVar variation 4081809 (VCV004081809.2).

ClinVar aggregate classification (germline): Conflicting classifications of pathogenicity. Review status: criteria provided, conflicting classifications (1 of 4 stars). 2 submissions from 2 submitters: Pathogenic (1); Uncertain significance (1). Last evaluated 2025-03-05.

Conditions:
Ehlers-Danlos syndrome due to tenascin-X deficiency (EDSCLL1). Also called: EDS DUE TO TNX DEFICIENCY; TNX DEFICIENCY; Ehlers-Danlos syndrome, classic-like, 1; EHLERS-DANLOS SYNDROME, CLASSIC-LIKE; TNXB-Related Classical-Like Ehlers-Danlos Syndrome. Identifiers: Orphanet 230839, MedGen C1848029, MONDO:0011670, OMIM 606408.

Submissions (2):

Myriad Genetics, Inc.
Classification: Pathogenic for Ehlers-Danlos syndrome due to tenascin-X deficiency. Last evaluated: 2025-03-05. Review status: criteria provided, single submitter. Criteria: Myriad Autosomal Dominant, Autosomal Recessive and X-Linked Classification Criteria (2023). Collection method: clinical testing. Allele origin: unknown.
Comment: NM_019105.6(TNXB):c.3679_3680delCT(L1227Vfs*30) is a frameshift variant classified as pathogenic in the context of classical-like Ehlers-Danlos syndrome, TNXB-related. L1227Vfs*30 has not been observed in cases with relevant disease. Relevant functional assessments of this variant are not available in the literature. L1227Vfs*30 has been observed in referenced population frequency databases. In summary, NM_019105.6(TNXB):c.3679_3680delCT(L1227Vfs*30) is a frameshift variant in a gene where loss of function is a known mechanism of disease and is predicted to disrupt protein function. Please note: this variant was assessed in the context of healthy population screening.

Blueprint Genetics
Classification: Uncertain significance. Last evaluated: 2020-06-26. Review status: criteria provided, single submitter. Criteria: ACMG Guidelines, 2015. Collection method: clinical testing. Allele origin: germline.